The following is an entry in ClinVar:

ClinVar aggregate classification (germline): Likely pathogenic. Review status: criteria provided, single submitter (1 of 4 stars). 2 submissions from 2 submitters: Likely pathogenic (1). 1 of the submissions does not count toward it. Last evaluated 2022-05-20.

Conditions:
Hereditary cancer-predisposing syndrome. Also called: Neoplastic Syndromes, Hereditary; Hereditary Cancer Syndrome; Tumor predisposition; Hereditary neoplastic syndrome. Identifiers: Orphanet 140162, MedGen C0027672, MeSH D009386, MONDO:0015356.

Submissions (2):

Ambry Genetics
Classification: Likely pathogenic for Hereditary cancer-predisposing syndrome. Last evaluated: 2022-05-20. Review status: criteria provided, single submitter. Criteria: Ambry Variant Classification Scheme 2023. Collection method: clinical testing. Allele origin: germline.
Comment: The c.350delT variant, located in coding exon 3 of the XRCC2 gene, results from a deletion of one nucleotide at nucleotide position 350, causing a translational frameshift with a predicted alternate stop codon (p.L117Wfs*17). This alteration occurs at the 3' terminus of XRCC2 gene, is not expected to trigger nonsense-mediated mRNA decay, and impacts the last 164 amino acids of the protein. However, premature stop codons are typically deleterious in nature and a significant portion of the protein is affected (Ambry internal data). Functional studies using c-DNA complementation assays demonstrate that this alteration results in an impaired ability to restore XRCC2 deficiency (Hilbers FS et al. Hum Mutat. 2016 09;37:914-25). Based on the majority of available evidence to date, this variant is likely to be pathogenic.

Leiden Open Variation Database
Classification: Uncertain significance. Last evaluated: 2016-04-14. Review status: no assertion criteria provided. Collection method: curation. Allele origin: germline. Affected: yes. Not counted in ClinVar's aggregate classification.
Comment: Curator: Arleen D. Auerbach. Submitter to LOVD: Florentine Hilbers.

Literature cited by the submitters: PubMed 27233470 (cited by Ambry Genetics); PubMed 23054243 (cited by Leiden Open Variation Database).

NM_005431.2(XRCC2):c.350del (p.Leu117fs)

Gene: XRCC2 (X-ray repair cross complementing 2; minus strand). Cytogenetic location: 7q36.1.
Variant type: Deletion.
Coding change: c.350del on transcript NM_005431.2 (MANE Select); coding-DNA position 350, one base deleted (T; older notation c.350delT).
Protein change: p.Leu117fs; shifts the reading frame from leucine 117.
Molecular consequence: frameshift variant.
Genome position (GRCh38, 1-based): chr7:152,649,135, A deleted on the plus strand (T on the coding strand, the reverse complement: XRCC2 is on the minus strand); the first of 8 consecutive A bases (chr7:152,649,135-152,649,142); deleting any one gives the same sequence. VCF-style (leftmost placement, unchanged base first): chr7-152649134-CA-C. GRCh37 (hg19) VCF-style: chr7-152346219-CA-C.
Other names: short protein forms L117fs.
Identifiers: ClinVar variation 929638 (VCV000929638.3), dbSNP rs764640893, ClinGen allele CA458895598.
Genomic context (GRCh38, chr7:152,649,134, plus strand): 5'-AAACATACTTTCTAGTGAGTAAAGTGTAAGAAGTAAGTGGGTGCTACTACTGCAGTACAC[CA>C]AAAAAAATCTTCCCAGGCAGTATTTGATTATTTCTTCAGAGCTTTGGGATAGTCTGTGCT-3'